The following is an entry in ClinVar:

NM_001244008.2(KIF1A):c.117C>A (p.Asn39Lys)

Gene: KIF1A (kinesin family member 1A; minus strand). Cytogenetic location: 2q37.3.
Variant type: single nucleotide variant.
Coding change: c.117C>A on transcript NM_001244008.2 (MANE Select); coding-DNA position 117, C replaced by A.
Protein change: p.Asn39Lys; replaces asparagine 39 with lysine.
Molecular consequence: missense variant.
Genome position (GRCh38, 1-based): chr2:240,789,302, G>T on the plus strand (C>A on the coding strand, the complement: KIF1A is on the minus strand). VCF-style: chr2-240789302-G-T. GRCh37 (hg19) VCF-style: chr2-241728719-G-T.
Other names: c.117C>A, p.Asn39Lys (NM_001320705.2, NM_001330289.2, NM_001330290.2 and 20 more transcripts); short protein forms N39K.
Identifiers: ClinVar variation 1467311 (VCV001467311.8), dbSNP rs2126098806, ClinGen allele CA351311823.

ClinVar aggregate classification (germline): Uncertain significance (1 of 4 stars; one submission).

Conditions:
Hereditary spastic paraplegia 30. Identifiers: Orphanet 101010, MedGen C5235139, MONDO:0012476.
Neuropathy, hereditary sensory, type 2C. Also called: KIF1A-Related HSAN2 (HSAN2C); Hereditary sensory and autonomic neuropathy type IIC. Identifiers: Orphanet 970, MedGen C3280168, MONDO:0013634, OMIM 614213.
Intellectual disability, autosomal dominant 9 (NESCAVS). Also called: KIF1A-Related Neurodevelopmental Disorder; NESCAV SYNDROME. Identifiers: Orphanet 662367, MedGen C5393830, MONDO:0013656, OMIM 614255.

Submission:

Labcorp Genetics (formerly Invitae), Labcorp
Classification: Uncertain significance for Hereditary spastic paraplegia 30; Neuropathy, hereditary sensory, type 2C; Intellectual disability, autosomal dominant 9. Last evaluated: 2021-12-27. Review status: criteria provided, single submitter. Criteria: Invitae Variant Classification Sherloc (09022015). Collection method: clinical testing. Allele origin: germline.
Comment: In summary, the available evidence is currently insufficient to determine the role of this variant in disease. Therefore, it has been classified as a Variant of Uncertain Significance. Advanced modeling of protein sequence and biophysical properties (such as structural, functional, and spatial information, amino acid conservation, physicochemical variation, residue mobility, and thermodynamic stability) performed at Invitae indicates that this missense variant is expected to disrupt KIF1A protein function. This variant has not been reported in the literature in individuals affected with KIF1A-related conditions. This variant is not present in population databases (gnomAD no frequency). This sequence change replaces asparagine, which is neutral and polar, with lysine, which is basic and polar, at codon 39 of the KIF1A protein (p.Asn39Lys).